The following is an entry in ClinVar:

NM_003106.4(SOX2):c.402del (p.Gly135fs)

Genes: SOX2-OT (SOX2 overlapping transcript; plus strand), SOX2 (SRY-box transcription factor 2; plus strand), LOC108281177 (SOX2 5' regulatory region; plus strand). Cytogenetic location: 3q26.33.
Variant type: Deletion.
Coding change: c.402del on transcript NM_003106.4 (MANE Select); coding-DNA position 402, one base deleted (C; older notation c.402delC).
Protein change: p.Gly135fs; shifts the reading frame from glycine 135.
Molecular consequence: frameshift variant.
Genome position (GRCh38, 1-based): chr3:181,712,762, C deleted; the last of 5 consecutive C bases (chr3:181,712,758-181,712,762); deleting any one gives the same sequence. VCF-style (leftmost placement, unchanged base first): chr3-181712757-GC-G. GRCh37 (hg19) VCF-style: chr3-181430545-GC-G.
Other names: short protein forms G135fs.
Identifiers: ClinVar variation 986773 (VCV000986773.4), dbSNP rs761248518, ClinGen allele CA1139658372.

ClinVar aggregate classification (germline): Pathogenic. Review status: criteria provided, single submitter (1 of 4 stars). 2 submissions from 2 submitters: Pathogenic (1). 1 of the submissions does not count toward it. Last evaluated 2020-05-05.

Conditions:
Anophthalmia/microphthalmia-esophageal atresia syndrome (MCOPS3). Also called: MICROPHTHALMIA AND ESOPHAGEAL ATRESIA SYNDROME; AEG SYNDROME; SOX2 Disorder. Identifiers: Orphanet 77298, MedGen C1859773, MONDO:0008799, OMIM 206900.

Submissions (2):

GeneDx
Classification: Pathogenic. Last evaluated: 2020-05-05. Review status: criteria provided, single submitter. Criteria: GeneDx Variant Classification Process June 2021. Collection method: clinical testing. Allele origin: germline. Affected: yes.
Comment: Published functional studies demonstrate reduced transactivation activity (Suzuki et al., 2014); Frameshift variant predicted to result in protein truncation, as the last 183 amino acids are replaced with 18 different amino acids, and other loss-of-function variants have been reported downstream in the Human Gene Mutation Database (Stenson et al., 2014; Not observed in large population cohorts (Lek et al., 2016); This variant is associated with the following publications: (PMID: 24804704)

Anophthalmia/Microphthalmia Research Registry, Einstein Medical Center Philadelphia
Classification: Pathogenic for Anophthalmia/microphthalmia-esophageal atresia syndrome. Review status: no assertion criteria provided. Collection method: research. Allele origin: germline. Inheritance: Autosomal dominant inheritance. Affected: yes. Observed: 1 variant allele. Not counted in ClinVar's aggregate classification.